The following is an entry in ClinVar:

NM_001130009.3(GEN1):c.1771G>T (p.Glu591Ter)

Gene: GEN1 (GEN1 structure-specific endonuclease; plus strand). Cytogenetic location: 2p24.2.
Variant type: single nucleotide variant.
Coding change: c.1771G>T on transcript NM_001130009.3 (MANE Select); coding-DNA position 1771, G replaced by T.
Protein change: p.Glu591Ter; replaces glutamic acid 591 with a stop codon.
Molecular consequence: nonsense.
Genome position (GRCh38, 1-based): chr2:17,780,983, G>T. VCF-style: chr2-17780983-G-T. GRCh37 (hg19) VCF-style: chr2-17962250-G-T.
Other names: c.1771G>T, p.Glu591Ter (NM_182625.5); short protein forms E591*.
Identifiers: ClinVar variation 959667 (VCV000959667.5), dbSNP rs373974766, ClinGen allele CA1540827.

ClinVar aggregate classification (germline): Uncertain significance (1 of 4 stars; one submission).

Allele frequency attached by ClinVar (database versions not stated): ExAC 0.00001; gnomAD exomes 0.00001 and 0.00002; gnomAD 0.00005; TOPMed 0.00006; ESP Exome Variant Server 0.00008.
gnomAD v4.1: 20 of 1,613,200 alleles (0.0012%); highest among the groups gnomAD compares: African/African-American, 0.027%; no homozygotes.

Submission:

Labcorp Genetics (formerly Invitae), Labcorp
Classification: Uncertain significance. Last evaluated: 2023-07-19. Review status: criteria provided, single submitter. Criteria: Invitae Variant Classification Sherloc (09022015). Collection method: clinical testing. Allele origin: germline.
Comment: In summary, the available evidence is currently insufficient to determine the role of this variant in disease. Therefore, it has been classified as a Variant of Uncertain Significance. ClinVar contains an entry for this variant (Variation ID: 959667). This variant has not been reported in the literature in individuals affected with GEN1-related conditions. This variant is present in population databases (rs373974766, gnomAD 0.03%). This sequence change creates a premature translational stop signal (p.Glu591*) in the GEN1 gene. While this is not anticipated to result in nonsense mediated decay, it is expected to disrupt the last 318 amino acid(s) of the GEN1 protein.